The following is an entry in ClinVar:

NM_130849.4(SLC39A4):c.143T>G (p.Leu48Ter)

Gene: SLC39A4 (solute carrier family 39 member 4; minus strand). Cytogenetic location: 8q24.3.
Variant type: single nucleotide variant.
Coding change: c.143T>G on transcript NM_130849.4 (MANE Select); coding-DNA position 143, T replaced by G.
Protein change: p.Leu48Ter; replaces leucine 48 with a stop codon.
Molecular consequence: nonsense.
Genome position (GRCh38, 1-based): chr8:144,416,647, A>C on the plus strand (T>G on the coding strand, the complement: SLC39A4 is on the minus strand). VCF-style: chr8-144416647-A-C. GRCh37 (hg19) VCF-style: chr8-145642031-A-C.
Other names: c.143T>G, p.Leu48Ter (NM_001374839.1); short protein forms L48*.
Identifiers: ClinVar variation 4816454 (VCV004816454.2).

ClinVar aggregate classification (germline): Pathogenic. Review status: criteria provided, multiple submitters, no conflicts (2 of 4 stars). 2 submissions from 2 submitters: Pathogenic (2). Last evaluated 2024-10-21.

Conditions:
Hereditary acrodermatitis enteropathica (AEZ). Also called: Acrodermatitis enteropathica. Identifiers: Orphanet 37, MedGen C0221036, MONDO:0008713, OMIM 201100.
SLC39A4-related disorder. Also called: SLC39A4-related condition.

Submissions (2):

Natera, Inc.
Classification: Pathogenic for Acrodermatitis enteropathica. Last evaluated: 2024-10-21. Review status: criteria provided, single submitter. Criteria: Natera Variant Classification Schema (03/2026). Collection method: clinical testing. Allele origin: germline.
Comment: The c.143T>G variant in SLC39A4 is a nonsense variant predicted to introduce a stop codon at amino acid 48. This variant is expected to result in nonsense mediated decay, truncation, or a dysfunctional protein product. This variant is rare in the general population with a frequency below the threshold expected for the associated phenotype(s). This variant has been observed in one or more individuals affected with the associated recessive disease, as either homozygous or compound heterozygous with a second variant (PMID: 12955721). Additionally, this variant has been observed to segregate in affected family members (PMID: 12955721). Given the available evidence, this variant is classified as Pathogenic.

Blueprint Genetics
Classification: Pathogenic for SLC39A4-related disorders. Last evaluated: 2022-07-17. Review status: criteria provided, single submitter. Criteria: ACMG Guidelines, 2015. Collection method: clinical testing. Allele origin: germline. Affected: yes. Observed: 1 variant allele.

Literature cited by the submitters: PubMed 12955721 (cited by Natera, Inc.).